The following is an entry in ClinVar:

NM_001035.3(RYR2):c.11776-13G>T

Gene: RYR2 (ryanodine receptor 2; plus strand). Cytogenetic location: 1q43.
Variant type: single nucleotide variant.
Coding change: c.11776-13G>T on transcript NM_001035.3 (MANE Select); 13 bases into the intron before coding-DNA position 11776, G replaced by T.
Molecular consequence: intron variant.
Genome position (GRCh38, 1-based): chr1:237,778,653, G>T. VCF-style: chr1-237778653-G-T. GRCh37 (hg19) VCF-style: chr1-237941953-G-T.
Identifiers: ClinVar variation 2895528 (VCV002895528.4), dbSNP rs1157436468, ClinGen allele CA733288078.

ClinVar aggregate classification (germline): Likely benign. Review status: criteria provided, multiple submitters, no conflicts (2 of 4 stars). 2 submissions from 2 submitters: Likely benign (2). Last evaluated 2024-04-16.

Conditions:
Catecholaminergic polymorphic ventricular tachycardia (CVPT). Also called: Catecholamine-induced polymorphic ventricular tachycardia. Identifiers: Orphanet 3286, MedGen C5574922, MONDO:0017990.
Catecholaminergic polymorphic ventricular tachycardia 1. Also called: RYR2-Related Catecholaminergic Polymorphic Ventricular Tachycardia; VENTRICULAR TACHYCARDIA, CATECHOLAMINERGIC POLYMORPHIC, 1, WITH OR WITHOUT ATRIAL DYSFUNCTION AND/OR DILATED CARDIOMYOPATHY; VENTRICULAR TACHYCARDIA, STRESS-INDUCED POLYMORPHIC 1. Identifiers: Orphanet 3286, MedGen C1631597, MONDO:0011484, OMIM 604772.

Allele frequency attached by ClinVar (database versions not stated): TOPMed below 0.00001.

Submissions (2):

All of Us Research Program, National Institutes of Health
Classification: Likely benign for Catecholaminergic polymorphic ventricular tachycardia. Last evaluated: 2024-04-16. Review status: criteria provided, single submitter. Criteria: ACMG Guidelines, 2015. Collection method: clinical testing. Allele origin: germline. Inheritance: Autosomal dominant inheritance. Observed: 1 variant allele, 1 heterozygote.
Comment: This study involves interpretation of variants in research participants for the purpose of population health screening. Participant phenotype was not available at the time of variant classification. Additional details can be found in publication PMID: 35346344, PMCID: PMC8962531

Labcorp Genetics (formerly Invitae), Labcorp
Classification: Likely benign for Catecholaminergic polymorphic ventricular tachycardia 1. Last evaluated: 2023-07-28. Review status: criteria provided, single submitter. Criteria: Invitae Variant Classification Sherloc (09022015). Collection method: clinical testing. Allele origin: germline.